The following is an entry in ClinVar:

ClinVar aggregate classification (germline): Uncertain significance (1 of 4 stars; one submission).

Submission:

GeneDx
Classification: Uncertain significance. Last evaluated: 2022-12-28. Review status: criteria provided, single submitter. Criteria: GeneDx Variant Classification Process June 2021. Collection method: clinical testing. Allele origin: germline. Affected: yes.
Comment: Not observed at significant frequency in large population cohorts (gnomAD); In silico analysis is inconclusive as to whether the variant alters gene splicing. In the absence of RNA/functional studies, the actual effect of this sequence change is unknown.; Has not been previously published as pathogenic or benign to our knowledge

NM_019842.4(KCNQ5):c.1251G>A (p.Gln417=)

Gene: KCNQ5 (potassium voltage-gated channel subfamily Q member 5; plus strand). Cytogenetic location: 6q13.
Variant type: single nucleotide variant.
Coding change: c.1251G>A on transcript NM_019842.4 (MANE Select); coding-DNA position 1251, G replaced by A.
Protein change: p.Gln417=; no amino-acid change (glutamine 417 retained).
Molecular consequence: synonymous variant. On other transcripts: intron variant (1).
Genome position (GRCh38, 1-based): chr6:73,133,424, G>A. VCF-style: chr6-73133424-G-A. GRCh37 (hg19) VCF-style: chr6-73843147-G-A.
Other names: c.1224G>A, p.Gln408= (NM_001160130.2); c.1281G>A, p.Gln427= (NM_001160132.2); c.1308G>A, p.Gln436= (NM_001160133.2); c.1247+8912G>A (NM_001160134.2).
Identifiers: ClinVar variation 2507286 (VCV002507286.1), dbSNP rs2533762288, ClinGen allele CA450958542.